The following is an entry in ClinVar:

Conditions:
Breast-ovarian cancer, familial, susceptibility to, 1 (BROVCA1). Also called: BRCA1 Hereditary Breast and Ovarian Cancer; OVARIAN CANCER, SUSCEPTIBILITY TO. Identifiers: Orphanet 145, MedGen C2676676, MONDO:0011450, OMIM 604370. Disease mechanism: loss of function.

Submission:

Brotman Baty Institute, University of Washington
No classification provided (evidence only). Condition: Breast-ovarian cancer, familial 1. Review status: no classification provided. Collection method: in vitro. Allele origin: not applicable. Functional consequence: functionally_normal.
ClinVar note: "not provided" was previously submitted as the classification for the variant. However, the classification appeared to be based only on an observation of functional data so it was converted to no classification on 2025-07-30.

NM_007294.4(BRCA1):c.54G>C (p.Met18Ile)

Gene: BRCA1 (BRCA1 DNA repair associated; minus strand). Cytogenetic location: 17q21.31.
Variant type: single nucleotide variant.
Coding change: c.54G>C on transcript NM_007294.4 (MANE Select); coding-DNA position 54, G replaced by C.
Protein change: p.Met18Ile; replaces methionine 18 with isoleucine.
Molecular consequence: missense variant. On other transcripts: 5 prime UTR variant (1), non-coding transcript variant (1).
Genome position (GRCh38, 1-based): chr17:43,124,043, C>G on the plus strand (G>C on the coding strand, the complement: BRCA1 is on the minus strand). VCF-style: chr17-43124043-C-G. GRCh37 (hg19) VCF-style: chr17-41276060-C-G.
Other names: c.54G>C, p.Met18Ile (NM_001407635.1, NM_001407636.1, NM_001407637.1 and 193 more transcripts); c.-204G>C (NM_001407694.1, NM_001407724.1, NM_001407727.1 and 11 more transcripts); c.-208G>C (NM_001407695.1, NM_001408465.1); c.-349G>C (NM_001407696.1); c.-233G>C (NM_001407697.1, NM_001407846.1, NM_001407920.1); c.-34G>C (NM_001407698.1, NM_001407732.1, NM_001407736.1 and 23 more transcripts); c.-207G>C (NM_001407725.1, NM_001407730.1, NM_001407734.1 and 22 more transcripts); c.-153G>C (NM_001407726.1, NM_001407751.1); and 8 more; short protein forms M18I.
Identifiers: ClinVar variation 867723 (VCV000867723.3), dbSNP rs1597923450, ClinGen allele CA10602050.